The following is an entry in ClinVar:

ClinVar aggregate classification (germline): Uncertain significance. Review status: criteria provided, multiple submitters, no conflicts (2 of 4 stars). 2 submissions from 2 submitters: Uncertain significance (2). Last evaluated 2025-08-01.

Conditions:
Inborn genetic diseases. Identifiers: MedGen C0950123, MeSH D030342.

gnomAD v4.1: 36 of 1,613,982 alleles (0.0022%); highest among the groups gnomAD compares: East Asian, 0.042%; no homozygotes.

Submissions (2):

Labcorp Genetics (formerly Invitae), Labcorp
Classification: Uncertain significance. Last evaluated: 2025-08-01. Review status: criteria provided, single submitter. Criteria: Invitae Variant Classification Sherloc (09022015). Collection method: clinical testing. Allele origin: germline.
Comment: This sequence change replaces aspartic acid, which is acidic and polar, with asparagine, which is neutral and polar, at codon 101 of the GP6 protein (p.Asp101Asn). This variant is present in population databases (rs572860909, gnomAD 0.006%). This variant has not been reported in the literature in individuals affected with GP6-related conditions. ClinVar contains an entry for this variant (Variation ID: 4031020). An algorithm developed to predict the effect of missense changes on protein structure and function outputs the following: PolyPhen-2: "Benign". The asparagine amino acid residue is found in multiple mammalian species, which suggests that this missense change does not adversely affect protein function. In summary, the available evidence is currently insufficient to determine the role of this variant in disease. Therefore, it has been classified as a Variant of Uncertain Significance.

Ambry Genetics
Classification: Uncertain significance for Inborn genetic diseases. Last evaluated: 2025-06-07. Review status: criteria provided, single submitter. Criteria: Ambry Variant Classification Scheme 2023. Collection method: clinical testing. Allele origin: germline.

NM_016363.5(GP6):c.301G>A (p.Asp101Asn)

Gene: GP6 (glycoprotein VI platelet; minus strand). Cytogenetic location: 19q13.42.
Variant type: single nucleotide variant.
Coding change: c.301G>A on transcript NM_016363.5 (MANE Select); coding-DNA position 301, G replaced by A.
Protein change: p.Asp101Asn; replaces aspartic acid 101 with asparagine.
Molecular consequence: missense variant.
Genome position (GRCh38, 1-based): chr19:55,032,163, C>T on the plus strand (G>A on the coding strand, the complement: GP6 is on the minus strand). VCF-style: chr19-55032163-C-T. GRCh37 (hg19) VCF-style: chr19-55543531-C-T.
Other names: c.301G>A, p.Asp101Asn (NM_001083899.2, NM_001256017.2); short protein forms D101N.
Identifiers: ClinVar variation 4031020 (VCV004031020.2).